The following is an entry in ClinVar:

NM_000533.5(PLP1):c.509C>T (p.Ser170Phe)

Genes: RAB9B (RAB9B, member RAS oncogene family; minus strand), PLP1 (proteolipid protein 1; plus strand). Cytogenetic location: Xq22.2.
Variant type: single nucleotide variant.
Coding change: c.509C>T on transcript NM_000533.5 (MANE Select); coding-DNA position 509, C replaced by T.
Protein change: p.Ser170Phe; replaces serine 170 with phenylalanine.
Molecular consequence: missense variant.
Genome position (GRCh38, 1-based): chrX:103,787,853, C>T. VCF-style: chrX-103787853-C-T. GRCh37 (hg19) VCF-style: chrX-103042782-C-T.
Other names: S169F; c.509C>T, p.Ser170Phe (NM_001128834.3); c.344C>T, p.Ser115Phe (NM_001305004.1); c.404C>T, p.Ser135Phe (NM_199478.3); short protein forms S135F, S170F, S115F.
Identifiers: ClinVar variation 11092 (VCV000011092.3), dbSNP rs132630294, ClinGen allele CA255710.
Genomic context (GRCh38, chrX:103,787,853, plus strand): 5'-TTTAGTTTGTGGGCATCACCTATGCCCTGACCGTTGTGTGGCTCCTGGTGTTTGCCTGCT[C>T]TGCTGTGCCTGTGTACATTTACTTCAACACCTGGACCACCTGCCAGTCTATTGCCTTCCC-3'
Protein context (NP_000524.3, residues 160-180): TVVWLLVFAC[Ser170Phe]AVPVYIYFNT

ClinVar aggregate classification (germline): Likely pathogenic. Review status: criteria provided, single submitter (1 of 4 stars). 2 submissions from 2 submitters: Likely pathogenic (1). 1 of the submissions does not count toward it. Last evaluated 2021-05-28.

Conditions:
Hereditary spastic paraplegia 2 (SPG2). Also called: Spastic Paraplegia 2 (SPG2); SPASTIC PARAPLEGIA 2, X-LINKED. Identifiers: Orphanet 99015, MedGen C0751604, MONDO:0010733, OMIM 312920.

Submissions (2):

GeneDx
Classification: Likely pathogenic. Last evaluated: 2021-05-28. Review status: criteria provided, single submitter. Criteria: GeneDx Variant Classification Process June 2021. Collection method: clinical testing. Allele origin: germline. Affected: yes.
Comment: Not observed at significant frequency in large population cohorts (Lek et al., 2016); Missense variants in this gene are often considered pathogenic (Stenson et al., 2014); In silico analysis supports that this missense variant has a deleterious effect on protein structure/function; This variant is associated with the following publications: (PMID: 24077912, 27535533, 9489796)

OMIM
Classification: Pathogenic for SPASTIC PARAPLEGIA 2. Last evaluated: 1998-02-17. Review status: no assertion criteria provided. Collection method: literature only. Allele origin: germline. Not counted in ClinVar's aggregate classification.

Literature cited by the submitters: PubMed 9489796 (cited by OMIM).